The following is an entry in ClinVar:

ClinVar aggregate classification (germline): Conflicting classifications of pathogenicity. Review status: criteria provided, conflicting classifications (1 of 4 stars). 9 submissions from 9 submitters: Uncertain significance (2); Likely benign (5). 2 of the submissions do not count toward it. Last evaluated 2026-07-01.

Conditions:
PLEC-related disorder. Also called: PLEC-related condition; PLEC-related disorders.
Inborn genetic diseases. Identifiers: MedGen C0950123, MeSH D030342.
Epidermolysis bullosa simplex 5B, with muscular dystrophy (EBS5B). Also called: Epidermolysis bullosa simplex with muscular dystrophy; EPIDERMOLYSIS BULLOSA SIMPLEX AND LIMB-GIRDLE MUSCULAR DYSTROPHY. Identifiers: Orphanet 257, MedGen C2931072, MONDO:0009181, OMIM 226670.
Epidermolysis bullosa simplex with nail dystrophy (EBS5D). Identifiers: MedGen C4225309, MONDO:0014661, OMIM 616487.
Autosomal recessive limb-girdle muscular dystrophy type 2Q (LGMDR17). Also called: MUSCULAR DYSTROPHY, LIMB-GIRDLE, AUTOSOMAL RECESSIVE 17. Identifiers: Orphanet 254361, MedGen C3150989, MONDO:0013390, OMIM 613723.
Epidermolysis bullosa simplex 5C, with pyloric atresia (EBS5C). Also called: PLEC-Related Epidermolysis Bullosa with Pyloric Atresia; PLEC1-Related Epidermolysis Bullosa with Pyloric Atresia; Epidermolysis bullosa simplex with pyloric atresia. Identifiers: Orphanet 158684, MedGen C2677349, MONDO:0012807, OMIM 612138.
Epidermolysis bullosa simplex, Ogna type (EBS5A). Also called: Pidermolysis bullosa simplex 5A, Ogna type; EPIDERMOLYSIS BULLOSA SIMPLEX 5A, OGNA TYPE. Identifiers: Orphanet 79401, MedGen C0432317, MONDO:0007555, OMIM 131950.

Allele frequency attached by ClinVar (database versions not stated): 1000 Genomes Project 0.00040; 1000 Genomes Project 30x 0.00047; TOPMed 0.00151; ESP Exome Variant Server 0.00186.
gnomAD v4.1: 3,280 of 1,613,938 alleles (0.2%); highest among the groups gnomAD compares: Non-Finnish European, 0.23%; 7 homozygotes.

Submissions (9):

CeGaT Center for Human Genetics Tuebingen
Classification: Likely benign. Last evaluated: 2026-07-01. Review status: criteria provided, single submitter. Criteria: CeGaT Center For Human Genetics Tuebingen Variant Classification Criteria Version 2. Collection method: clinical testing. Allele origin: germline. Affected: yes. Observed: 6 variant alleles.
Comment: PLEC: BP4

Labcorp Genetics (formerly Invitae), Labcorp
Classification: Likely benign for Autosomal recessive limb-girdle muscular dystrophy type 2Q; Epidermolysis bullosa simplex, Ogna type; Epidermolysis bullosa simplex with nail dystrophy; Epidermolysis bullosa simplex 5C, with pyloric atresia; Epidermolysis bullosa simplex 5B, with muscular dystrophy. Last evaluated: 2026-01-27. Review status: criteria provided, single submitter. Criteria: Invitae Variant Classification Sherloc (09022015). Collection method: clinical testing. Allele origin: germline.

Blueprint Genetics
Classification: Likely benign. Last evaluated: 2024-11-20. Review status: criteria provided, single submitter. Criteria: ACMG Guidelines, 2015. Collection method: clinical testing. Allele origin: germline.

Ambry Genetics
Classification: Uncertain significance for Inborn genetic diseases. Last evaluated: 2021-10-20. Review status: criteria provided, single submitter. Criteria: Ambry Variant Classification Scheme 2023. Collection method: clinical testing. Allele origin: germline.

GeneDx
Classification: Likely benign. Last evaluated: 2021-04-06. Review status: criteria provided, single submitter. Criteria: GeneDx Variant Classification Process June 2021. Collection method: clinical testing. Allele origin: germline. Affected: yes.

Athena Diagnostics
Classification: Likely benign. Last evaluated: 2018-12-31. Review status: criteria provided, single submitter. Criteria: Athena Diagnostics Criteria. Collection method: clinical testing. Allele origin: germline.

Eurofins Ntd Llc (ga)
Classification: Uncertain significance. Last evaluated: 2015-07-15. Review status: criteria provided, single submitter. Criteria: EGL Classification Definitions 2015. Collection method: clinical testing. Allele origin: germline. Observed: 11 variant alleles, 6 heterozygotes.

PreventionGenetics, part of Exact Sciences
Classification: Likely benign for PLEC-related condition. Last evaluated: 2023-05-04. Review status: no assertion criteria provided. Collection method: clinical testing. Allele origin: germline. Not counted in ClinVar's aggregate classification.
Comment: This variant is classified as likely benign based on ACMG/AMP sequence variant interpretation guidelines (Richards et al. 2015 PMID: 25741868, with internal and published modifications).

Department of Pathology and Laboratory Medicine, Sinai Health System
Classification: Uncertain significance. Review status: no assertion criteria provided. Collection method: clinical testing. Allele origin: unknown. Affected: yes. Study: The Canadian Open Genetics Repository (COGR). Not counted in ClinVar's aggregate classification.
Comment: The PLEC p.Asp2973Asn variant was identified in 1 of 14 proband chromosomes (frequency: 0.071) from individuals with mesial temporal lobe epilepsy (Sha_2015_PMID:25668491). The variant was also identified in dbSNP (ID: rs200814155), ClinVar (classified as a VUS by EGL Genetics, Athena Diagnostics and Invitae and as likely benign by GeneDx), Cosmic (FATHMM predicted pathogenic; score=0.93) and LOVD 3.0. The variant was identified in control databases in 438 of 280620 chromosomes (2 homozygous) at a frequency of 0.001561 increasing the likelihood this could be a low frequency benign variant (Genome Aggregation Database Feb 27, 2017). The variant was observed in the following populations: Latino in 79 of 35366 chromosomes (freq: 0.002234), European (non-Finnish) in 245 of 128510 chromosomes (freq: 0.001906), Other in 12 of 7140 chromosomes (freq: 0.001681), European (Finnish) in 34 of 25012 chromosomes (freq: 0.001359), South Asian in 37 of 30594 chromosomes (freq: 0.001209), Ashkenazi Jewish in 9 of 10352 chromosomes (freq: 0.000869), African in 16 of 24132 chromosomes (freq: 0.000663), and East Asian in 6 of 19514 chromosomes (freq: 0.000308). The p.Asp2973 residue is conserved in mammals and computational analyses (PolyPhen-2, SIFT, AlignGVGD, BLOSUM, MutationTaster) provide inconsistent predictions regarding the impact to the protein; this information is not very predictive of pathogenicity. The variant occurs outside of the splicing consensus sequence and in silico or computational prediction software programs (SpliceSiteFinder, MaxEntScan, NNSPLICE, GeneSplicer) do not predict a difference in splicing. In summary, based on the above information the clinical significance of this variant cannot be determined with certainty at this time. This variant is classified as a variant of uncertain significance.

NM_201384.3(PLEC):c.8506G>A (p.Asp2836Asn)

Gene: PLEC (plectin; minus strand). Cytogenetic location: 8q24.3.
Variant type: single nucleotide variant.
Coding change: c.8506G>A on transcript NM_201384.3 (MANE Select); coding-DNA position 8506, G replaced by A.
Protein change: p.Asp2836Asn; replaces aspartic acid 2836 with asparagine.
Molecular consequence: missense variant.
Genome position (GRCh38, 1-based): chr8:143,921,315, C>T on the plus strand (G>A on the coding strand, the complement: PLEC is on the minus strand). VCF-style: chr8-143921315-C-T. GRCh37 (hg19) VCF-style: chr8-144995483-C-T.
Other names: c.8587G>A, p.Asp2863Asn (NM_000445.5); c.8464G>A, p.Asp2822Asn (NM_201378.4); c.8440G>A, p.Asp2814Asn (NM_201379.3); c.8917G>A, p.Asp2973Asn (NM_201380.4); c.8410G>A, p.Asp2804Asn (NM_201381.3); c.8506G>A, p.Asp2836Asn (NM_201382.4); c.8518G>A, p.Asp2840Asn (NM_201383.3); short protein forms D2804N, D2814N, D2822N, D2836N, D2840N, D2863N, D2973N.
Identifiers: ClinVar variation 196817 (VCV000196817.94), dbSNP rs200814155, ClinGen allele CA244253.